The following is an entry in ClinVar:

NM_000051.4(ATM):c.2299A>G (p.Thr767Ala)

Gene: ATM (ATM serine/threonine kinase; plus strand). Cytogenetic location: 11q22.3.
Variant type: single nucleotide variant.
Coding change: c.2299A>G on transcript NM_000051.4 (MANE Select); coding-DNA position 2299, A replaced by G.
Protein change: p.Thr767Ala; replaces threonine 767 with alanine.
Molecular consequence: missense variant.
Genome position (GRCh38, 1-based): chr11:108,257,529, A>G. VCF-style: chr11-108257529-A-G. GRCh37 (hg19) VCF-style: chr11-108128256-A-G.
Other names: c.2299A>G, p.Thr767Ala (NM_001351834.2); short protein forms T767A.
Identifiers: ClinVar variation 1720099 (VCV001720099.5), dbSNP rs2135406666, ClinGen allele CA382539786.
Genomic context (GRCh38, chr11:108,257,529, plus strand): 5'-TATTCACAATAGTCTCTAATGCAATGTGCAGGAGAAAGTATCACTCTGTTTAAAAATAAG[A>G]CAAATGAGGAATTCAGAATTGGTTCCTTGAGAAATATGATGCAGCTATGTACACGTTGCT-3'
Protein context (NP_000042.3, residues 757-777): GESITLFKNK[Thr767Ala]NEEFRIGSLR

ClinVar aggregate classification (germline): Uncertain significance (1 of 4 stars; one submission).

Conditions:
Ataxia-telangiectasia syndrome (AT). Also called: Cerebello-oculocutaneous telangiectasia; ATAXIA-TELANGIECTASIA, COMPLEMENTATION GROUP A; ATAXIA-TELANGIECTASIA, FRESNO VARIANT; Ataxia-telangiectasia, complementation group D; AT, COMPLEMENTATION GROUP C; Immunodeficiency with ataxia telangiectasia. Identifiers: Orphanet 100, MedGen C0004135, MONDO:0008840, OMIM 208900.

Submission:

Labcorp Genetics (formerly Invitae), Labcorp
Classification: Uncertain significance for Ataxia-telangiectasia syndrome. Last evaluated: 2022-09-23. Review status: criteria provided, single submitter. Criteria: Invitae Variant Classification Sherloc (09022015). Collection method: clinical testing. Allele origin: germline.
Comment: In summary, the available evidence is currently insufficient to determine the role of this variant in disease. Therefore, it has been classified as a Variant of Uncertain Significance. Algorithms developed to predict the effect of missense changes on protein structure and function (SIFT, PolyPhen-2, Align-GVGD) all suggest that this variant is likely to be tolerated. This variant has not been reported in the literature in individuals affected with ATM-related conditions. This variant is not present in population databases (gnomAD no frequency). This sequence change replaces threonine, which is neutral and polar, with alanine, which is neutral and non-polar, at codon 767 of the ATM protein (p.Thr767Ala).